The following is an entry in ClinVar:

NM_000038.6(APC):c.5766G>A (p.Gln1922=)

Gene: APC (APC regulator of Wnt signaling pathway; plus strand). Cytogenetic location: 5q22.2.
Variant type: single nucleotide variant.
Coding change: c.5766G>A on transcript NM_000038.6 (MANE Select); coding-DNA position 5766, G replaced by A.
Protein change: p.Gln1922=; no amino-acid change (glutamine 1922 retained).
Molecular consequence: synonymous variant.
Genome position (GRCh38, 1-based): chr5:112,841,360, G>A. VCF-style: chr5-112841360-G-A. GRCh37 (hg19) VCF-style: chr5-112177057-G-A.
Other names: c.5766G>A, p.Gln1922= (NM_001127510.3, NM_001354895.2); c.5712G>A, p.Gln1904= (NM_001127511.3); c.5820G>A, p.Gln1940= (NM_001354896.2); c.5796G>A, p.Gln1932= (NM_001354897.2); c.5691G>A, p.Gln1897= (NM_001354898.2); c.5682G>A, p.Gln1894= (NM_001354899.2); c.5643G>A, p.Gln1881= (NM_001354900.2); c.5589G>A, p.Gln1863= (NM_001354901.2); and 6 more.
Identifiers: ClinVar variation 1087560 (VCV001087560.13), dbSNP rs2149948639, ClinGen allele CA446209444.

ClinVar aggregate classification (germline): Likely benign. Review status: criteria provided, multiple submitters, no conflicts (2 of 4 stars). 3 submissions from 3 submitters: Likely benign (3). Last evaluated 2025-03-04.

Conditions:
Hereditary cancer-predisposing syndrome. Also called: Hereditary Cancer Syndrome; Neoplastic Syndromes, Hereditary; Hereditary neoplastic syndrome; Tumor predisposition. Identifiers: Orphanet 140162, MedGen C0027672, MeSH D009386, MONDO:0015356.
Familial adenomatous polyposis 1 (FAP1). Also called: POLYPOSIS, ADENOMATOUS INTESTINAL; FAMILIAL ADENOMATOUS POLYPOSIS 1, ATTENUATED. Identifiers: MedGen C2713442, MONDO:0021056, OMIM 175100. Disease mechanism: loss of function.

Submissions (3):

Center for Genomic Medicine, Rigshospitalet, Copenhagen University Hospital
Classification: Likely benign. Last evaluated: 2025-03-04. Review status: criteria provided, single submitter. Criteria: ACMG Guidelines, 2015. Collection method: clinical testing. Allele origin: germline.
Comment: Classification criteria: BP4, BP7

Labcorp Genetics (formerly Invitae), Labcorp
Classification: Likely benign for Familial adenomatous polyposis 1. Last evaluated: 2023-08-24. Review status: criteria provided, single submitter. Criteria: Invitae Variant Classification Sherloc (09022015). Collection method: clinical testing. Allele origin: germline.

Ambry Genetics
Classification: Likely benign for Hereditary cancer-predisposing syndrome. Last evaluated: 2023-01-08. Review status: criteria provided, single submitter. Criteria: Ambry Variant Classification Scheme 2023. Collection method: clinical testing. Allele origin: germline.